The following is an entry in ClinVar:

NM_018117.12(WDR11):c.1461G>C (p.Leu487=)

Gene: WDR11 (WD repeat domain 11; plus strand). Cytogenetic location: 10q26.12.
Variant type: single nucleotide variant.
Coding change: c.1461G>C on transcript NM_018117.12 (MANE Select); coding-DNA position 1461, G replaced by C.
Protein change: p.Leu487=; no amino-acid change (leucine 487 retained).
Molecular consequence: synonymous variant.
Genome position (GRCh38, 1-based): chr10:120,871,336, G>C. VCF-style: chr10-120871336-G-C. GRCh37 (hg19) VCF-style: chr10-122630848-G-C.
Identifiers: ClinVar variation 5040227 (VCV005040227.1).

ClinVar aggregate classification (germline): Likely benign (1 of 4 stars; one submission).

Submission:

CeGaT Center for Human Genetics Tuebingen
Classification: Likely benign. Last evaluated: 2026-07-01. Review status: criteria provided, single submitter. Criteria: CeGaT Center For Human Genetics Tuebingen Variant Classification Criteria Version 2. Collection method: clinical testing. Allele origin: germline. Affected: yes. Observed: 1 variant allele.
Comment: WDR11: PM2:Supporting, BP4, BP7